The following is an entry in ClinVar:

ClinVar aggregate classification (germline): Likely pathogenic. Review status: criteria provided, multiple submitters, no conflicts (2 of 4 stars). 2 submissions from 2 submitters: Likely pathogenic (2). Last evaluated 2024-02-19.

Conditions:
Arthrogryposis multiplex congenita 6. Identifiers: MedGen C5543431, MONDO:0030281, OMIM 619334.
Nemaline myopathy 2 (NEM2). Also called: Nemaline myopathy 2, autosomal recessive. Identifiers: MedGen C1850569, MONDO:0009725, OMIM 256030.

Submissions (2):

Fulgent Genetics
Classification: Likely pathogenic for Nemaline myopathy 2; Arthrogryposis multiplex congenita 6. Last evaluated: 2024-02-19. Review status: criteria provided, single submitter. Criteria: ACMG Guidelines, 2015. Collection method: clinical testing. Allele origin: germline.

Labcorp Genetics (formerly Invitae), Labcorp
Classification: Likely pathogenic for Nemaline myopathy 2. Last evaluated: 2022-05-14. Review status: criteria provided, single submitter. Criteria: Invitae Variant Classification Sherloc (09022015). Collection method: clinical testing. Allele origin: germline.
Comment: In summary, the currently available evidence indicates that the variant is pathogenic, but additional data are needed to prove that conclusively. Therefore, this variant has been classified as Likely Pathogenic. This sequence change affects an acceptor splice site in intron 172 of the NEB gene. It is expected to disrupt RNA splicing. Variants that disrupt the donor or acceptor splice site typically lead to a loss of protein function (PMID: 16199547), and loss-of-function variants in NEB are known to be pathogenic (PMID: 25205138). This variant is not present in population databases (gnomAD no frequency). This variant has not been reported in the literature in individuals affected with NEB-related conditions. Algorithms developed to predict the effect of sequence changes on RNA splicing suggest that this variant may disrupt the consensus splice site.

Literature cited by the submitters: PubMed 16199547 (cited by Labcorp Genetics (formerly Invitae), Labcorp); PubMed 25205138 (cited by Labcorp Genetics (formerly Invitae), Labcorp).

NM_001164508.2(NEB):c.24301-1G>T

Genes: RIF1 (replication timing regulatory factor 1; plus strand), NEB (nebulin; minus strand). Cytogenetic location: 2q23.3.
Variant type: single nucleotide variant.
Coding change: c.24301-1G>T on transcript NM_001164508.2 (MANE Select); the canonical splice acceptor site of the intron before coding-DNA position 24301, G replaced by T.
Molecular consequence: splice acceptor variant. On other transcripts: intron variant (1).
Genome position (GRCh38, 1-based): chr2:151,497,034, C>A on the plus strand (G>T on the coding strand, the complement: NEB is on the minus strand). VCF-style: chr2-151497034-C-A. GRCh37 (hg19) VCF-style: chr2-152353548-C-A.
Other names: c.18826-666G>T (NM_004543.5); c.24301-1G>T (NM_001164507.2); c.24406-1G>T (NM_001271208.2).
Identifiers: ClinVar variation 1994238 (VCV001994238.5), dbSNP rs2551843345, ClinGen allele CA348778666.